The following is an entry in ClinVar:

ClinVar aggregate classification (germline): Uncertain significance. Review status: criteria provided, multiple submitters, no conflicts (2 of 4 stars). 2 submissions from 2 submitters: Uncertain significance (2). Last evaluated 2025-09-27.

Conditions:
Retinoblastoma (RB1). Also called: RETINOBLASTOMA, SOMATIC. Identifiers: Orphanet 790, MedGen C0035335, MeSH D012175, MONDO:0008380, OMIM 180200, HP:0009919. Disease mechanism: loss of function. Inheritance: Both sporadic and heritable forms are tested..

Submissions (2):

Labcorp Genetics (formerly Invitae), Labcorp
Classification: Uncertain significance for Retinoblastoma. Last evaluated: 2025-09-27. Review status: criteria provided, single submitter. Criteria: Invitae Variant Classification Sherloc (09022015). Collection method: clinical testing. Allele origin: germline.
Comment: This sequence change falls in intron 17 of the RB1 gene. It does not directly change the encoded amino acid sequence of the RB1 protein. It affects a nucleotide within the consensus splice site. This variant is not present in population databases (gnomAD no frequency). This variant has been observed in individual(s) with retinoblastoma (internal data). ClinVar contains an entry for this variant (Variation ID: 3237022). Variants that disrupt the consensus splice site are a relatively common cause of aberrant splicing (PMID: 17576681, 9536098). Studies have shown that this variant is associated with inconclusive levels of altered splicing (internal data). In summary, the available evidence is currently insufficient to determine the role of this variant in disease. Therefore, it has been classified as a Variant of Uncertain Significance.

Genetic Diagnostic Laboratory, University of Pennsylvania School of Medicine
Classification: Uncertain significance for Retinoblastoma. Last evaluated: 2024-05-20. Review status: criteria provided, single submitter. Criteria: ACMG Guidelines, 2015. Collection method: clinical testing. Allele origin: germline. Affected: yes. Observed: 1 variant allele.
Comment: Case and Pedigree Information: BILATERAL CASES:1, UNILATERAL CASES:0, TOTAL CASES:1, PEDIGREES:1. ACMG Codes Applied:PM2

Literature cited by the submitters: PubMed 17576681 (cited by Labcorp Genetics (formerly Invitae), Labcorp); PubMed 9536098 (cited by Labcorp Genetics (formerly Invitae), Labcorp).

NM_000321.3(RB1):c.1695+5del

Gene: RB1 (RB transcriptional corepressor 1; plus strand). Cytogenetic location: 13q14.2.
Variant type: Deletion.
Coding change: c.1695+5del on transcript NM_000321.3 (MANE Select); 5 bases into the intron after coding-DNA position 1695, one base deleted (G; older notation c.1695+5delG).
Molecular consequence: intron variant. On other transcripts: frameshift variant (1).
Genome position (GRCh38, 1-based): chr13:48,381,448, G deleted. VCF-style (leftmost placement, unchanged base first): chr13-48381447-AG-A. GRCh37 (hg19) VCF-style: chr13-48955583-AG-A.
Other names: c.1700del, p.Ser567fs (NM_001407166.1); c.1695+5del (NM_001407165.1); short protein forms S567fs.
Identifiers: ClinVar variation 3237022 (VCV003237022.2), dbSNP rs2542207186.
Genomic context (GRCh38, chr13:48,381,447, plus strand): 5'-ATAAAACATTTAGAACGATGTGAACATCGAATCATGGAATCCCTTGCATGGCTCTCAGTA[AG>A]TAGCTAAATAATTGAAGAAATTCATTCATGTGCATATGGCTAACAAATTATTGTTAGTGA-3'